The following is an entry in ClinVar:

ClinVar aggregate classification (germline): Uncertain significance (1 of 4 stars; one submission).

Allele frequency attached by ClinVar (database versions not stated): gnomAD exomes below 0.00001.

Submission:

Ambry Genetics
Classification: Uncertain significance. Last evaluated: 2023-09-18. Review status: criteria provided, single submitter. Criteria: Ambry Variant Classification Scheme 2023. Collection method: clinical testing. Allele origin: germline.
Comment: The p.T330I variant (also known as c.989C>T), located in coding exon 9 of the FAM175A gene, results from a C to T substitution at nucleotide position 989. The threonine at codon 330 is replaced by isoleucine, an amino acid with similar properties. This amino acid position is conserved. In addition, this alteration is predicted to be tolerated by in silico analysis. Since supporting evidence is limited at this time, the clinical significance of this alteration remains unclear.

NM_139076.3(ABRAXAS1):c.989C>T (p.Thr330Ile)

Gene: ABRAXAS1 (abraxas 1, BRCA1 A complex subunit; minus strand). Cytogenetic location: 4q21.23.
Variant type: single nucleotide variant.
Coding change: c.989C>T on transcript NM_139076.3 (MANE Select); coding-DNA position 989, C replaced by T.
Protein change: p.Thr330Ile; replaces threonine 330 with isoleucine.
Molecular consequence: missense variant.
Genome position (GRCh38, 1-based): chr4:83,462,710, G>A on the plus strand (C>T on the coding strand, the complement: ABRAXAS1 is on the minus strand). VCF-style: chr4-83462710-G-A. GRCh37 (hg19) VCF-style: chr4-84383863-G-A.
Other names: c.662C>T, p.Thr221Ile (NM_001345962.2); short protein forms T221I, T330I.
Identifiers: ClinVar variation 3229161 (VCV003229161.1), dbSNP rs2110033096, ClinGen allele CA357255602.